The following is an entry in ClinVar:

NM_001079855.2(GYG2):c.208G>A (p.Asp70Asn)

Gene: GYG2 (glycogenin 2; plus strand). Cytogenetic location: Xp22.33.
Variant type: single nucleotide variant.
Coding change: c.208G>A on transcript NM_001079855.2 (MANE Select); coding-DNA position 208, G replaced by A.
Protein change: p.Asp70Asn; replaces aspartic acid 70 with asparagine.
Molecular consequence: missense variant. On other transcripts: 5 prime UTR variant (1).
Genome position (GRCh38, 1-based): chrX:2,854,038, G>A. VCF-style: chrX-2854038-G-A. GRCh37 (hg19) VCF-style: chrX-2772079-G-A.
Other names: c.208G>A, p.Asp70Asn (NM_001184702.2); c.301G>A, p.Asp101Asn (NM_001184703.2, NM_003918.3); c.-258G>A (NM_001184704.2); c.301G>A (NM_003918.2); short protein forms D101N, D70N.
Identifiers: ClinVar variation 3620069 (VCV003620069.3).

ClinVar aggregate classification (germline): Uncertain significance. Review status: criteria provided, multiple submitters, no conflicts (2 of 4 stars). 2 submissions from 2 submitters: Uncertain significance (2). Last evaluated 2025-06-22.

gnomAD v4.1: 27 of 1,195,025 alleles (0.0023%); highest among the groups gnomAD compares: Non-Finnish European, 0.00091%; 1 homozygote.

Submissions (2):

Ambry Genetics
Classification: Uncertain significance. Last evaluated: 2025-06-22. Review status: criteria provided, single submitter. Criteria: Ambry Variant Classification Scheme 2023. Collection method: clinical testing. Allele origin: germline.

Labcorp Genetics (formerly Invitae), Labcorp
Classification: Uncertain significance. Last evaluated: 2024-03-01. Review status: criteria provided, single submitter. Criteria: Invitae Variant Classification Sherloc (09022015). Collection method: clinical testing. Allele origin: germline.
Comment: This sequence change replaces aspartic acid, which is acidic and polar, with asparagine, which is neutral and polar, at codon 101 of the GYG2 protein (p.Asp101Asn). This variant is present in population databases (rs200541016, gnomAD 0.04%). This variant has not been reported in the literature in individuals affected with GYG2-related conditions. An algorithm developed to predict the effect of missense changes on protein structure and function (PolyPhen-2) suggests that this variant is likely to be disruptive. In summary, the available evidence is currently insufficient to determine the role of this variant in disease. Therefore, it has been classified as a Variant of Uncertain Significance.